The following is an entry in ClinVar:

ClinVar aggregate classification (germline): Conflicting classifications of pathogenicity. Review status: criteria provided, conflicting classifications (1 of 4 stars). 2 submissions from 2 submitters: Uncertain significance (1); Likely benign (1). Last evaluated 2025-12-21.

Conditions:
Melnick-Needles syndrome (MNS). Also called: MELNICK-NEEDLES OSTEODYSPLASTY; OSTEODYSPLASTY OF MELNICK AND NEEDLES; Melnick-Needles Syndrome (FLNA-MNS). Identifiers: Orphanet 2484, MedGen C0025237, MONDO:0010650, OMIM 309350.
Frontometaphyseal dysplasia (FMD1). Identifiers: Orphanet 1826, MedGen C0265293, MONDO:0015942.
Heterotopia, periventricular, X-linked dominant (PVNH1). Also called: PERIVENTRICULAR NODULAR HETEROTOPIA 1; X-linked periventricular heterotopia; PERIVENTRICULAR NODULAR HETEROTOPIA 4; HETEROTOPIA, PERIVENTRICULAR, 1. Identifiers: Orphanet 2149, Orphanet 82004, MedGen C1848213, MONDO:0010233, OMIM 300049.
Oto-palato-digital syndrome, type II (OPD2). Also called: FACIOPALATOOSSEOUS SYNDROME; Otopalatodigital Syndrome, Type II; OPD II SYNDROME; Otopalatodigital Syndrome Type 2 (FLNA-OPD2). Identifiers: Orphanet 669, Orphanet 90652, MedGen C1844696, MONDO:0010571, OMIM 304120.
Connective tissue disorder. Also called: Connective tissue disease. Identifiers: MedGen C0009782, MONDO:0003900.

Allele frequency attached by ClinVar (database versions not stated): TOPMed below 0.00001.
gnomAD v4.1: 2 of 1,211,160 alleles (0.00017%); highest among the groups gnomAD compares: East Asian, 0.003%; no homozygotes.

Submissions (2):

Labcorp Genetics (formerly Invitae), Labcorp
Classification: Uncertain significance for Oto-palato-digital syndrome, type II; Heterotopia, periventricular, X-linked dominant; Frontometaphyseal dysplasia; Melnick-Needles syndrome. Last evaluated: 2025-12-21. Review status: criteria provided, single submitter. Criteria: Invitae Variant Classification Sherloc (09022015). Collection method: clinical testing. Allele origin: germline.
Comment: This sequence change replaces valine, which is neutral and non-polar, with methionine, which is neutral and non-polar, at codon 1331 of the FLNA protein (p.Val1331Met). This variant is not present in population databases (gnomAD no frequency). This variant has not been reported in the literature in individuals affected with FLNA-related conditions. ClinVar contains an entry for this variant (Variation ID: 561300). Invitae Evidence Modeling of protein sequence and biophysical properties (such as structural, functional, and spatial information, amino acid conservation, physicochemical variation, residue mobility, and thermodynamic stability) indicates that this missense variant is not expected to disrupt FLNA protein function with a negative predictive value of 95%. In summary, the available evidence is currently insufficient to determine the role of this variant in disease. Therefore, it has been classified as a Variant of Uncertain Significance.

Center for Human Genetics, Inc
Classification: Likely benign for Connective tissue disorder. Last evaluated: 2018-06-01. Review status: criteria provided, single submitter. Criteria: ACMG Guidelines, 2015. Collection method: clinical testing. Allele origin: germline. Affected: yes.

NM_001110556.2(FLNA):c.3991G>A (p.Val1331Met)

Gene: FLNA (filamin A; minus strand). Cytogenetic location: Xq28.
Variant type: single nucleotide variant.
Coding change: c.3991G>A on transcript NM_001110556.2 (MANE Select); coding-DNA position 3991, G replaced by A.
Protein change: p.Val1331Met; replaces valine 1331 with methionine.
Molecular consequence: missense variant.
Genome position (GRCh38, 1-based): chrX:154,359,635, C>T on the plus strand (G>A on the coding strand, the complement: FLNA is on the minus strand). VCF-style: chrX-154359635-C-T. GRCh37 (hg19) VCF-style: chrX-153588003-C-T.
Other names: c.3991G>A, p.Val1331Met (NM_001456.4); short protein forms V1331M.
Identifiers: ClinVar variation 561300 (VCV000561300.9), dbSNP rs1569551635, ClinGen allele CA415220875.